The following is an entry in ClinVar:

ClinVar aggregate classification (germline): Likely pathogenic (1 of 4 stars; one submission).

Conditions:
Okur-Chung neurodevelopmental syndrome (OCNDS). Identifiers: Orphanet 689422, MedGen C4310739, MONDO:0014893, OMIM 617062.

Submission:

Women's Health and Genetics/Laboratory Corporation of America, LabCorp
Classification: Likely pathogenic for Okur-Chung neurodevelopmental syndrome. Last evaluated: 2025-10-23. Review status: criteria provided, single submitter. Criteria: LabCorp Variant Classification Summary - May 2015. Collection method: clinical testing. Allele origin: germline.
Comment: Variant summary: CSNK2A1 c.646T>C (p.Trp216Arg) results in a non-conservative amino acid change in the encoded protein sequence. Algorithms developed to predict the effect of missense changes on protein structure and function all suggest that this variant is likely to be disruptive. The variant was absent in 251428 control chromosomes. To our knowledge, no experimental evidence demonstrating an impact on protein function has been reported. No submitters have cited clinical-significance assessments for this variant to ClinVar. Based on the evidence outlined above, the variant was classified as likely pathogenic.

NM_177559.3(CSNK2A1):c.646T>C (p.Trp216Arg)

Gene: CSNK2A1 (casein kinase 2 alpha 1; minus strand). Cytogenetic location: 20p13.
Variant type: single nucleotide variant.
Coding change: c.646T>C on transcript NM_177559.3 (MANE Select); coding-DNA position 646, T replaced by C.
Protein change: p.Trp216Arg; replaces tryptophan 216 with arginine.
Molecular consequence: missense variant.
Genome position (GRCh38, 1-based): chr20:489,857, A>G on the plus strand (T>C on the coding strand, the complement: CSNK2A1 is on the minus strand). VCF-style: chr20-489857-A-G. GRCh37 (hg19) VCF-style: chr20-470501-A-G.
Other names: c.646T>C, p.Trp216Arg (NM_001362770.2, NM_001362771.2, NM_001895.4); c.238T>C, p.Trp80Arg (NM_177560.3); short protein forms W216R, W80R.
Identifiers: ClinVar variation 4687818 (VCV004687818.1).